The following is an entry in ClinVar:

ClinVar aggregate classification (germline): Likely benign. Review status: criteria provided, multiple submitters, no conflicts (2 of 4 stars). 3 submissions from 3 submitters: Likely benign (3). Last evaluated 2025-10-29.

Conditions:
Familial thoracic aortic aneurysm and aortic dissection (TAAD). Also called: Thoracic aortic aneurysms and dissections. Identifiers: Orphanet 91387, MedGen C4707243, MONDO:0019625.
Arterial tortuosity syndrome (ATORS). Identifiers: Orphanet 3342, MedGen C1859726, MONDO:0008818, OMIM 208050.

Allele frequency attached by ClinVar (database versions not stated): gnomAD 0.00001.
gnomAD v4.1: 14 of 1,613,894 alleles (0.00087%); highest among the groups gnomAD compares: South Asian, 0.0011%; no homozygotes.

Submissions (3):

Mayo Clinic Laboratories, Mayo Clinic
Classification: Likely benign. Last evaluated: 2025-10-29. Review status: criteria provided, single submitter. Criteria: ACMG Guidelines, 2015. Collection method: clinical testing. Allele origin: germline. Observed: 1 variant allele.
Comment: BP4, BP7

Labcorp Genetics (formerly Invitae), Labcorp
Classification: Likely benign for Arterial tortuosity syndrome. Last evaluated: 2022-09-02. Review status: criteria provided, single submitter. Criteria: Invitae Variant Classification Sherloc (09022015). Collection method: clinical testing. Allele origin: germline.

Ambry Genetics
Classification: Likely benign for Familial thoracic aortic aneurysm and aortic dissection. Last evaluated: 2017-08-31. Review status: criteria provided, single submitter. Criteria: Ambry Variant Classification Scheme 2023. Collection method: clinical testing. Allele origin: germline.

NM_030777.4(SLC2A10):c.1455C>T (p.Thr485=)

Gene: SLC2A10 (solute carrier family 2 member 10; plus strand). Cytogenetic location: 20q13.12.
Variant type: single nucleotide variant.
Coding change: c.1455C>T on transcript NM_030777.4 (MANE Select); coding-DNA position 1455, C replaced by T.
Protein change: p.Thr485=; no amino-acid change (threonine 485 retained).
Molecular consequence: synonymous variant.
Genome position (GRCh38, 1-based): chr20:46,729,396, C>T. VCF-style: chr20-46729396-C-T. GRCh37 (hg19) VCF-style: chr20-45358035-C-T.
Other names: p.Thr485=.
Identifiers: ClinVar variation 520175 (VCV000520175.14), dbSNP rs1285063741, ClinGen allele CA510771521.